The following is an entry in ClinVar:

ClinVar aggregate classification (germline): Pathogenic (1 of 4 stars; one submission).

Submission:

GeneDx
Classification: Pathogenic. Last evaluated: 2015-07-22. Review status: criteria provided, single submitter. Criteria: GeneDx Variant Classification (06012015). Collection method: clinical testing. Allele origin: germline. Affected: yes.
Comment: The c.1600+3_1600+6delAAGT deletion in the GPSM2 gene has not been reported previously as a pathogenic variant nor as a benign polymorphism, to our knowledge. This variant is predicted to destroy thenatural splice donor site in intron 13, and is expected to cause abnormal gene splicing. Thec.1600+3_1600+6delAAGT deletion was not observed in approximately 6500 individuals of European andAfrican American ancestry in the NHLBI Exome Sequencing Project, indicating it is not a common benignvariant in these populations. We interpret c.1600+3_1600+6delAAGT as a pathogenic variant.

NM_013296.5(GPSM2):c.1600+3_1600+6del

Gene: GPSM2 (G protein signaling modulator 2; plus strand). Cytogenetic location: 1p13.3.
Variant type: Microsatellite.
Coding change: c.1600+3_1600+6del on transcript NM_013296.5 (MANE Select); bases 3 to 6 of the intron after coding-DNA position 1600, 4 bases deleted (AAGT; older notation c.1600+3_1600+6delAAGT).
Molecular consequence: splice donor variant.
Genome position (GRCh38, 1-based): chr1:108,922,579-108,922,582, AAGT deleted; deleting any 4 consecutive bases within chr1:108,922,575-108,922,582 gives the same sequence; the c. name uses the placement nearest the transcript's 3' end. VCF-style (leftmost placement, unchanged base first): chr1-108922574-AAAGT-A. GRCh37 (hg19) VCF-style: chr1-109465196-AAAGT-A.
Other names: c.1600+3_1600+6del (NM_001321038.2, NM_001321039.3); c.1600+3_1600+6delAAGT (NM_013296.4).
Identifiers: ClinVar variation 419262 (VCV000419262.2), dbSNP rs750981446, ClinGen allele CA983097.